The following is an entry in ClinVar:

NM_002203.4(ITGA2):c.993A>G (p.Ala331=)

Gene: ITGA2 (integrin subunit alpha 2; plus strand). Cytogenetic location: 5q11.2.
Variant type: single nucleotide variant.
Coding change: c.993A>G on transcript NM_002203.4 (MANE Select); coding-DNA position 993, A replaced by G.
Protein change: p.Ala331=; no amino-acid change (alanine 331 retained).
Molecular consequence: synonymous variant. On other transcripts: non-coding transcript variant (5).
Genome position (GRCh38, 1-based): chr5:53,056,046, A>G. VCF-style: chr5-53056046-A-G. GRCh37 (hg19) VCF-style: chr5-52351876-A-G.
Identifiers: ClinVar variation 353747 (VCV000353747.7), dbSNP rs3212523, ClinGen allele CA3262769.

ClinVar aggregate classification (germline): Benign/Likely benign. Review status: criteria provided, multiple submitters, no conflicts (2 of 4 stars). 3 submissions from 3 submitters: Benign (2); Likely benign (1). Last evaluated 2024-11-26.

Conditions:
Platelet-type bleeding disorder 9 (BDPLT9). Also called: GLYCOPROTEIN Ia DEFICIENCY; GP Ia DEFICIENCY; COLLAGEN PLATELET RECEPTOR DEFICIENCY. Identifiers: Orphanet 73271, Orphanet 98886, MedGen C3280114, MONDO:0013622, OMIM 614200.

Allele frequency attached by ClinVar (database versions not stated): gnomAD exomes 0.08334 and 0.08740; ExAC 0.08658; 1000 Genomes Project 30x 0.09775; 1000 Genomes Project 0.09784; gnomAD 0.10551 and 0.10706; TOPMed 0.10958; ESP Exome Variant Server 0.11496.
gnomAD v4.1: 143,860 of 1,609,684 alleles (8.9%); highest among the groups gnomAD compares: African/African-American, 17%; 7,058 homozygotes.

Submissions (3):

Blueprint Genetics
Classification: Likely benign. Last evaluated: 2024-11-26. Review status: criteria provided, single submitter. Criteria: ACMG Guidelines, 2015. Collection method: clinical testing. Allele origin: germline.

Illumina Laboratory Services, Illumina
Classification: Benign for Platelet-type bleeding disorder 9. Last evaluated: 2018-01-12. Review status: criteria provided, single submitter. Criteria: ICSL Variant Classification Criteria 13 December 2019. Collection method: clinical testing. Allele origin: germline.
Comment: This variant was observed in the ICSL laboratory as part of a predisposition screen in an ostensibly healthy population. It had not been previously curated by ICSL or reported in the Human Gene Mutation Database (HGMD: prior to June 1st, 2018), and was therefore a candidate for classification through an automated scoring system. Utilizing variant allele frequency, disease prevalence and penetrance estimates, and inheritance mode, an automated score was calculated to assess if this variant is too frequent to cause the disease. Based on the score and internal cut-off values, a variant classified as benign is not then subjected to further curation. The score for this variant resulted in a classification of benign for this disease.

Breakthrough Genomics
Classification: Benign. Review status: criteria provided, single submitter. Criteria: ACMG Guidelines, 2015. Collection method: not provided. Allele origin: germline. Inheritance: Unknown mechanism. Affected: yes.